The following is an entry in ClinVar:

ClinVar aggregate classification (germline): Uncertain significance (1 of 4 stars; one submission).

Allele frequency attached by ClinVar (database versions not stated): gnomAD exomes below 0.00001.
gnomAD v4.1: 1 of 1,612,116 alleles (0.000062%); highest among the groups gnomAD compares: Non-Finnish European, 0.000085%; no homozygotes.

Submission:

Greenwood Genetic Center Diagnostic Laboratories, Greenwood Genetic Center
Classification: Uncertain significance. Last evaluated: 2023-06-27. Review status: criteria provided, single submitter. Criteria: ACMG Guidelines, 2015. Collection method: clinical testing. Allele origin: germline. Affected: yes.
Comment: Gene of Uncertain Significance

NM_014866.2(SEC16A):c.4647+2T>A

Gene: SEC16A (SEC16 homolog A, endoplasmic reticulum export factor; minus strand). Cytogenetic location: 9q34.3.
Variant type: single nucleotide variant.
Coding change: c.4647+2T>A on transcript NM_014866.2 (MANE Select); the canonical splice donor site of the intron after coding-DNA position 4647, T replaced by A.
Molecular consequence: splice donor variant.
Genome position (GRCh38, 1-based): chr9:136,463,461, A>T on the plus strand (T>A on the coding strand, the complement: SEC16A is on the minus strand). VCF-style: chr9-136463461-A-T. GRCh37 (hg19) VCF-style: chr9-139357913-A-T.
Other names: c.4647+2T>A (NM_001276418.2).
Identifiers: ClinVar variation 2572301 (VCV002572301.1), dbSNP rs2539712915, ClinGen allele CA375586016.
Genomic context (GRCh38, chr9:136,463,461, plus strand): 5'-CATTCCCAAGACGAAATGAAGACCAGCAAGAAGAAACACTCTAGAAGTAGAAAGAAACAT[A>T]CCCCATTTTGTCTGCATAAGAGAACAATAAAATTCCAAAGAAGACTTGCAGACTCTTTGT-3'